The following is an entry in ClinVar:

ClinVar aggregate classification (germline): Uncertain significance. Review status: criteria provided, multiple submitters, no conflicts (2 of 4 stars). 2 submissions from 2 submitters: Uncertain significance (2). Last evaluated 2022-10-19.

Conditions:
Neurofibromatosis, type 1 (NF1). Also called: VON RECKLINGHAUSEN DISEASE; NEUROFIBROMATOSIS, TYPE I, SOMATIC; Neurofibromatosis, type I; Peripheral type neurofibromatosis. Identifiers: Orphanet 636, MedGen C0027831, MONDO:0018975, OMIM 162200. Disease mechanism: loss of function.
Cardiovascular phenotype. Identifiers: MedGen CN230736.
Hereditary cancer-predisposing syndrome. Also called: Neoplastic Syndromes, Hereditary; Tumor predisposition; Hereditary Cancer Syndrome; Hereditary neoplastic syndrome. Identifiers: Orphanet 140162, MedGen C0027672, MeSH D009386, MONDO:0015356.

Submissions (2):

Labcorp Genetics (formerly Invitae), Labcorp
Classification: Uncertain significance for Neurofibromatosis, type 1. Last evaluated: 2022-10-19. Review status: criteria provided, single submitter. Criteria: Invitae Variant Classification Sherloc (09022015). Collection method: clinical testing. Allele origin: germline.
Comment: This variant is not present in population databases (gnomAD no frequency). This sequence change replaces alanine, which is neutral and non-polar, with valine, which is neutral and non-polar, at codon 1589 of the NF1 protein (p.Ala1589Val). This variant has not been reported in the literature in individuals affected with NF1-related conditions. In summary, the available evidence is currently insufficient to determine the role of this variant in disease. Therefore, it has been classified as a Variant of Uncertain Significance. Advanced modeling of protein sequence and biophysical properties (such as structural, functional, and spatial information, amino acid conservation, physicochemical variation, residue mobility, and thermodynamic stability) performed at Invitae indicates that this missense variant is expected to disrupt NF1 protein function.

Ambry Genetics
Classification: Uncertain significance for Cardiovascular phenotype; Hereditary cancer-predisposing syndrome. Last evaluated: 2017-06-07. Review status: criteria provided, single submitter. Criteria: Ambry Variant Classification Scheme 2023. Collection method: clinical testing. Allele origin: germline.
Comment: The p.A1589V variant (also known as c.4766C>T), located in coding exon 35 of the NF1 gene, results from a C to T substitution at nucleotide position 4766. The alanine at codon 1589 is replaced by valine, an amino acid with similar properties. This amino acid position is highly conserved in available vertebrate species. In addition, the in silico prediction for this alteration is inconclusive. Since supporting evidence is limited at this time, the clinical significance of this alteration remains unclear.

NM_001042492.3(NF1):c.4829C>T (p.Ala1610Val)

Gene: NF1 (neurofibromin 1; plus strand). Cytogenetic location: 17q11.2.
Variant type: single nucleotide variant.
Coding change: c.4829C>T on transcript NM_001042492.3 (MANE Select); coding-DNA position 4829, C replaced by T.
Protein change: p.Ala1610Val; replaces alanine 1610 with valine.
Molecular consequence: missense variant.
Genome position (GRCh38, 1-based): chr17:31,265,333, C>T. VCF-style: chr17-31265333-C-T. GRCh37 (hg19) VCF-style: chr17-29592351-C-T.
Other names: c.4766C>T, p.Ala1589Val (NM_000267.4); short protein forms A1610V, A1589V.
Identifiers: ClinVar variation 1742921 (VCV001742921.5), dbSNP rs2151470350, ClinGen allele CA399001383.